The following is an entry in ClinVar:

NM_020461.4(TUBGCP6):c.1481C>T (p.Ala494Val)

Gene: TUBGCP6 (tubulin gamma complex component 6; minus strand). Cytogenetic location: 22q13.33.
Variant type: single nucleotide variant.
Coding change: c.1481C>T on transcript NM_020461.4 (MANE Select); coding-DNA position 1481, C replaced by T.
Protein change: p.Ala494Val; replaces alanine 494 with valine.
Molecular consequence: missense variant.
Genome position (GRCh38, 1-based): chr22:50,227,009, G>A on the plus strand (C>T on the coding strand, the complement: TUBGCP6 is on the minus strand). VCF-style: chr22-50227009-G-A. GRCh37 (hg19) VCF-style: chr22-50665438-G-A.
Other names: c.1481C>T (NM_020461.3); short protein forms A494V.
Identifiers: ClinVar variation 1355923 (VCV001355923.7), dbSNP rs779764756, ClinGen allele CA10308666.

ClinVar aggregate classification (germline): Uncertain significance. Review status: criteria provided, multiple submitters, no conflicts (2 of 4 stars). 3 submissions from 3 submitters: Uncertain significance (3). Last evaluated 2024-05-08.

Conditions:
Inborn genetic diseases. Identifiers: MedGen C0950123, MeSH D030342.

Allele frequency attached by ClinVar (database versions not stated): gnomAD exomes 0.00001 and 0.00002; TOPMed 0.00002; ExAC 0.00004.
gnomAD v4.1: 18 of 1,611,978 alleles (0.0011%); highest among the groups gnomAD compares: Middle Eastern, 0.033%; no homozygotes.

Submissions (3):

Ambry Genetics
Classification: Uncertain significance for Inborn genetic diseases. Last evaluated: 2024-05-08. Review status: criteria provided, single submitter. Criteria: Ambry Variant Classification Scheme 2023. Collection method: clinical testing. Allele origin: germline.

Labcorp Genetics (formerly Invitae), Labcorp
Classification: Uncertain significance. Last evaluated: 2022-10-19. Review status: criteria provided, single submitter. Criteria: Invitae Variant Classification Sherloc (09022015). Collection method: clinical testing. Allele origin: germline.
Comment: In summary, the available evidence is currently insufficient to determine the role of this variant in disease. Therefore, it has been classified as a Variant of Uncertain Significance. This sequence change replaces alanine, which is neutral and non-polar, with valine, which is neutral and non-polar, at codon 494 of the TUBGCP6 protein (p.Ala494Val). This variant is present in population databases (rs779764756, gnomAD 0.009%). This variant has not been reported in the literature in individuals affected with TUBGCP6-related conditions. ClinVar contains an entry for this variant (Variation ID: 1355923). Algorithms developed to predict the effect of missense changes on protein structure and function output the following: SIFT: "Tolerated"; PolyPhen-2: "Benign"; Align-GVGD: "Class C0". The valine amino acid residue is found in multiple mammalian species, which suggests that this missense change does not adversely affect protein function.

Breakthrough Genomics
Classification: Uncertain significance. Review status: criteria provided, single submitter. Criteria: ACMG Guidelines, 2015. Collection method: not provided. Allele origin: germline. Inheritance: Autosomal dominant inheritance. Affected: yes.